The following is an entry in ClinVar:

ClinVar aggregate classification (germline): Uncertain significance (1 of 4 stars; one submission).

Allele frequency attached by ClinVar (database versions not stated): gnomAD exomes 0.00001.
gnomAD v4.1: 6 of 1,612,890 alleles (0.00037%); highest among the groups gnomAD compares: East Asian, 0.013%; no homozygotes.

Submission:

Ambry Genetics
Classification: Uncertain significance. Last evaluated: 2022-12-25. Review status: criteria provided, single submitter. Criteria: Ambry Variant Classification Scheme 2023. Collection method: clinical testing. Allele origin: germline.
Comment: The p.V475F variant (also known as c.1423G>T), located in coding exon 10 of the CTNNA3 gene, results from a G to T substitution at nucleotide position 1423. The valine at codon 475 is replaced by phenylalanine, an amino acid with highly similar properties. This amino acid position is conserved. In addition, the in silico prediction for this alteration is inconclusive. Since supporting evidence is limited at this time, the clinical significance of this alteration remains unclear.

NM_013266.4(CTNNA3):c.1423G>T (p.Val475Phe)

Gene: CTNNA3 (catenin alpha 3; minus strand). Cytogenetic location: 10q21.3.
Variant type: single nucleotide variant.
Coding change: c.1423G>T on transcript NM_013266.4 (MANE Select); coding-DNA position 1423, G replaced by T.
Protein change: p.Val475Phe; replaces valine 475 with phenylalanine.
Molecular consequence: missense variant.
Genome position (GRCh38, 1-based): chr10:66,520,725, C>A on the plus strand (G>T on the coding strand, the complement: CTNNA3 is on the minus strand). VCF-style: chr10-66520725-C-A. GRCh37 (hg19) VCF-style: chr10-68280483-C-A.
Other names: c.1423G>T, p.Val475Phe (NM_001127384.3); short protein forms V475F.
Identifiers: ClinVar variation 2450202 (VCV002450202.2), dbSNP rs1841034429, ClinGen allele CA377091422.